The following is an entry in ClinVar:

NM_058216.3(RAD51C):c.299T>A (p.Ile100Lys)

Gene: RAD51C (RAD51 paralog C; plus strand). Cytogenetic location: 17q22.
Variant type: single nucleotide variant.
Coding change: c.299T>A on transcript NM_058216.3 (MANE Select); coding-DNA position 299, T replaced by A.
Protein change: p.Ile100Lys; replaces isoleucine 100 with lysine.
Molecular consequence: missense variant. On other transcripts: non-coding transcript variant (2).
Genome position (GRCh38, 1-based): chr17:58,695,084, T>A. VCF-style: chr17-58695084-T-A. GRCh37 (hg19) VCF-style: chr17-56772445-T-A.
Other names: c.299T>A, p.Ile100Lys (NM_002876.4); short protein forms I100K.
Identifiers: ClinVar variation 630758 (VCV000630758.19), dbSNP rs1567786268, ClinGen allele CA400340974.

ClinVar aggregate classification (germline): Uncertain significance. Review status: criteria provided, multiple submitters, no conflicts (2 of 4 stars). 4 submissions from 4 submitters: Uncertain significance (4). Last evaluated 2025-01-27.

Conditions:
Fanconi anemia complementation group O. Also called: RAD51C-Related Fanconi Anemia. Identifiers: Orphanet 84, MedGen C3150653, MONDO:0013248, OMIM 613390.
Hereditary cancer-predisposing syndrome. Also called: Hereditary Cancer Syndrome; Neoplastic Syndromes, Hereditary; Tumor predisposition; Hereditary neoplastic syndrome. Identifiers: Orphanet 140162, MedGen C0027672, MeSH D009386, MONDO:0015356.
Breast-ovarian cancer, familial, susceptibility to, 3. Also called: RAD51C-Related Breast/Ovarian Cancer. Identifiers: Orphanet 145, MedGen C3150659, MONDO:0013253, OMIM 613399.

Allele frequency attached by ClinVar (database versions not stated): gnomAD exomes below 0.00001.
gnomAD v4.1: 1 of 1,614,124 alleles (0.000062%); highest among the groups gnomAD compares: Non-Finnish European, 0.000085%; no homozygotes.

Submissions (4):

Ambry Genetics
Classification: Uncertain significance for Hereditary cancer-predisposing syndrome. Last evaluated: 2025-01-27. Review status: criteria provided, single submitter. Criteria: Ambry Variant Classification Scheme 2023. Collection method: clinical testing. Allele origin: germline.
Comment: The p.I100K variant (also known as c.299T>A), located in coding exon 2 of the RAD51C gene, results from a T to A substitution at nucleotide position 299. The isoleucine at codon 100 is replaced by lysine, an amino acid with dissimilar properties. This amino acid position is conserved. In addition, this alteration is predicted to be deleterious by in silico analysis. Since supporting evidence is limited at this time, the clinical significance of this alteration remains unclear.

Labcorp Genetics (formerly Invitae), Labcorp
Classification: Uncertain significance for Fanconi anemia complementation group O. Last evaluated: 2024-04-02. Review status: criteria provided, single submitter. Criteria: Invitae Variant Classification Sherloc (09022015). Collection method: clinical testing. Allele origin: germline.
Comment: This sequence change replaces isoleucine, which is neutral and non-polar, with lysine, which is basic and polar, at codon 100 of the RAD51C protein (p.Ile100Lys). This variant is not present in population databases (gnomAD no frequency). This variant has not been reported in the literature in individuals affected with RAD51C-related conditions. ClinVar contains an entry for this variant (Variation ID: 630758). Advanced modeling of protein sequence and biophysical properties (such as structural, functional, and spatial information, amino acid conservation, physicochemical variation, residue mobility, and thermodynamic stability) performed at Invitae indicates that this missense variant is expected to disrupt RAD51C protein function with a positive predictive value of 80%. In summary, the available evidence is currently insufficient to determine the role of this variant in disease. Therefore, it has been classified as a Variant of Uncertain Significance.

Color Diagnostics, LLC DBA Color Health
Classification: Uncertain significance for Hereditary cancer-predisposing syndrome. Last evaluated: 2023-12-05. Review status: criteria provided, single submitter. Criteria: ACMG Guidelines, 2015. Collection method: clinical testing. Allele origin: germline.
Comment: This missense variant replaces isoleucine with lysine at codon 100 of the RAD51C protein. Computational prediction is inconclusive regarding the impact of this variant on protein structure and function (internally defined REVEL score threshold 0.5 < inconclusive < 0.7, PMID: 27666373). To our knowledge, functional studies have not been reported for this variant. This variant has not been reported in individuals affected with RAD51C-related disorders in the literature. This variant has not been identified in the general population by the Genome Aggregation Database (gnomAD). The available evidence is insufficient to determine the role of this variant in disease conclusively. Therefore, this variant is classified as a Variant of Uncertain Significance.

Department of Pathology and Laboratory Medicine, Sinai Health System
Classification: Uncertain significance for Breast-ovarian cancer, familial, susceptibility to, 3. Last evaluated: 2023-10-01. Review status: criteria provided, single submitter. Criteria: ACMG Guidelines, 2015. Collection method: clinical testing. Allele origin: germline. Affected: yes.